The following is an entry in ClinVar:

NM_000059.4(BRCA2):c.5630del (p.Asn1877fs)

Gene: BRCA2 (BRCA2 DNA repair associated; plus strand). Cytogenetic location: 13q13.1.
Variant type: Deletion.
Coding change: c.5630del on transcript NM_000059.4 (MANE Select); coding-DNA position 5630, one base deleted (A; older notation c.5630delA).
Protein change: p.Asn1877fs; shifts the reading frame from asparagine 1877.
Molecular consequence: frameshift variant.
Genome position (GRCh38, 1-based): chr13:32,339,985, A deleted; the last of 4 consecutive A bases (chr13:32,339,982-32,339,985); deleting any one gives the same sequence. VCF-style (leftmost placement, unchanged base first): chr13-32339981-GA-G. GRCh37 (hg19) VCF-style: chr13-32914118-GA-G.
Other names: c.5630delA (NM_000059.3); short protein forms N1877fs.
Identifiers: ClinVar variation 233780 (VCV000233780.5), dbSNP rs876660636, ClinGen allele CA10579658.

ClinVar aggregate classification (germline): Pathogenic. Review status: reviewed by expert panel (3 of 4 stars). 2 submissions from 2 submitters: Pathogenic (1). 1 of the submissions does not count toward it. Last evaluated 2017-12-15.

Conditions:
Hereditary cancer-predisposing syndrome. Also called: Tumor predisposition; Hereditary Cancer Syndrome; Hereditary neoplastic syndrome; Neoplastic Syndromes, Hereditary. Identifiers: Orphanet 140162, MedGen C0027672, MeSH D009386, MONDO:0015356.
Breast-ovarian cancer, familial, susceptibility to, 2 (BROVCA2). Also called: BRCA2 Hereditary Breast and Ovarian Cancer. Identifiers: Orphanet 145, MedGen C2675520, MONDO:0012933, OMIM 612555. Disease mechanism: loss of function.

Submissions (2):

Evidence-based Network for the Interpretation of Germline Mutant Alleles (ENIGMA)
Classification: Pathogenic for Breast-ovarian cancer, familial, susceptibility to, 2. Last evaluated: 2017-12-15. Review status: reviewed by expert panel. Criteria: ENIGMA BRCA1/2 Classification Criteria (2017-06-29). Collection method: curation. Allele origin: germline. Study: ENIGMA.
Comment: Variant allele predicted to encode a truncated non-functional protein.

Ambry Genetics
Classification: Pathogenic for Hereditary cancer-predisposing syndrome. Last evaluated: 2019-08-01. Review status: criteria provided, single submitter. Criteria: Ambry Variant Classification Scheme 2023. Collection method: clinical testing. Allele origin: germline. Not counted in ClinVar's aggregate classification.
Comment: The c.5630delA pathogenic mutation, located in coding exon 10 of the BRCA2 gene, results from a deletion of one nucleotide at nucleotide position 5630, causing a translational frameshift with a predicted alternate stop codon (p.N1877Tfs*32). This alteration is expected to result in loss of function by premature protein truncation or nonsense-mediated mRNA decay. As such, this alteration is interpreted as a disease-causing mutation.